The following is an entry in ClinVar:

ClinVar aggregate classification (germline): Uncertain significance (1 of 4 stars; one submission).

Conditions:
Inflammatory bowel disease 28. Also called: Inflammatory bowel disease 28, early onset, autosomal recessive. Identifiers: Orphanet 238569, MedGen C2751053, MONDO:0013153, OMIM 613148.

Submission:

Labcorp Genetics (formerly Invitae), Labcorp
Classification: Uncertain significance for Inflammatory bowel disease 28. Last evaluated: 2022-08-01. Review status: criteria provided, single submitter. Criteria: Invitae Variant Classification Sherloc (09022015). Collection method: clinical testing. Allele origin: germline.
Comment: This sequence change replaces valine, which is neutral and non-polar, with leucine, which is neutral and non-polar, at codon 233 of the IL10RA protein (p.Val233Leu). This variant is not present in population databases (gnomAD no frequency). This variant has not been reported in the literature in individuals affected with IL10RA-related conditions. ClinVar contains an entry for this variant (Variation ID: 1349148). Algorithms developed to predict the effect of missense changes on protein structure and function output the following: SIFT: "Tolerated"; PolyPhen-2: "Benign"; Align-GVGD: "Class C0". The leucine amino acid residue is found in multiple mammalian species, which suggests that this missense change does not adversely affect protein function. In summary, the available evidence is currently insufficient to determine the role of this variant in disease. Therefore, it has been classified as a Variant of Uncertain Significance.

NM_001558.4(IL10RA):c.697G>T (p.Val233Leu)

Gene: IL10RA (interleukin 10 receptor subunit alpha; plus strand). Cytogenetic location: 11q23.3.
Variant type: single nucleotide variant.
Coding change: c.697G>T on transcript NM_001558.4 (MANE Select); coding-DNA position 697, G replaced by T.
Protein change: p.Val233Leu; replaces valine 233 with leucine.
Molecular consequence: missense variant. On other transcripts: non-coding transcript variant (1).
Genome position (GRCh38, 1-based): chr11:117,995,597, G>T. VCF-style: chr11-117995597-G-T. GRCh37 (hg19) VCF-style: chr11-117866312-G-T.
Other names: short protein forms V233L.
Identifiers: ClinVar variation 1349148 (VCV001349148.8), dbSNP rs41354146, ClinGen allele CA382776619.